The following is an entry in ClinVar:

NM_032119.4(ADGRV1):c.5461del (p.Val1821fs)

Gene: ADGRV1 (adhesion G protein-coupled receptor V1; plus strand). Cytogenetic location: 5q14.3.
Variant type: Deletion.
Coding change: c.5461del on transcript NM_032119.4 (MANE Select); coding-DNA position 5461, one base deleted (G; older notation c.5461delG).
Protein change: p.Val1821fs; shifts the reading frame from valine 1821.
Molecular consequence: frameshift variant. On other transcripts: non-coding transcript variant (1).
Genome position (GRCh38, 1-based): chr5:90,679,566, G deleted; the last of 3 consecutive G bases (chr5:90,679,564-90,679,566); deleting any one gives the same sequence. VCF-style (leftmost placement, unchanged base first): chr5-90679563-AG-A. GRCh37 (hg19) VCF-style: chr5-89975380-AG-A.
Other names: short protein forms V1821fs.
Identifiers: ClinVar variation 1458314 (VCV001458314.6), dbSNP rs2149568185, ClinGen allele CA2573140104.
Genomic context (GRCh38, chr5:90,679,563, plus strand): 5'-GTCAATGTGTGTTGTGTGGGTTGTGTCTCTGTGTCTCCTTGTGAAGTAGCTGAACTCTTT[AG>A]GGTTGATGGAAGTGGTAGTGGTGATGGGGACATGGAATTCTTCCTTCCAACTATTCACAA-3'

ClinVar aggregate classification (germline): Pathogenic (1 of 4 stars; one submission).

Submission:

Labcorp Genetics (formerly Invitae), Labcorp
Classification: Pathogenic. Last evaluated: 2023-11-28. Review status: criteria provided, single submitter. Criteria: Invitae Variant Classification Sherloc (09022015). Collection method: clinical testing. Allele origin: germline.
Comment: This sequence change creates a premature translational stop signal (p.Val1821Leufs*24) in the ADGRV1 gene. It is expected to result in an absent or disrupted protein product. Loss-of-function variants in ADGRV1 are known to be pathogenic (PMID: 19357117, 22135276, 22147658, 26226137, 30718709, 31047384, 32467589). This variant is not present in population databases (gnomAD no frequency). This variant has not been reported in the literature in individuals affected with ADGRV1-related conditions. ClinVar contains an entry for this variant (Variation ID: 1458314). For these reasons, this variant has been classified as Pathogenic.

Literature cited by the submitters: PubMed 19357117; PubMed 22135276; PubMed 22147658; PubMed 26226137; PubMed 30718709; PubMed 31047384; PubMed 32467589.